The following is an entry in ClinVar:

ClinVar aggregate classification (germline): Uncertain significance (1 of 4 stars; one submission).

Allele frequency attached by ClinVar (database versions not stated): gnomAD exomes below 0.00001.

Submission:

Labcorp Genetics (formerly Invitae), Labcorp
Classification: Uncertain significance. Last evaluated: 2021-03-23. Review status: criteria provided, single submitter. Criteria: Invitae Variant Classification Sherloc (09022015). Collection method: clinical testing. Allele origin: germline.
Comment: This sequence change replaces leucine with phenylalanine at codon 96 of the ALPK3 protein (p.Leu96Phe). The leucine residue is weakly conserved and there is a small physicochemical difference between leucine and phenylalanine. The frequency data for this variant in the population databases is considered unreliable, as metrics indicate insufficient coverage at this position in the ExAC database. This variant has not been reported in the literature in individuals with ALPK3-related conditions. Algorithms developed to predict the effect of missense changes on protein structure and function output the following: SIFT: "Deleterious"; PolyPhen-2: "Benign"; Align-GVGD: "Class C0". The phenylalanine amino acid residue is found in multiple mammalian species, suggesting that this missense change does not adversely affect protein function. These predictions have not been confirmed by published functional studies and their clinical significance is uncertain. In summary, the available evidence is currently insufficient to determine the role of this variant in disease. Therefore, it has been classified as a Variant of Uncertain Significance.

NC_000015.10:g.84817132C>T

Gene: ALPK3 (alpha kinase 3; plus strand). Cytogenetic location: 15q25.3.
Variant type: single nucleotide variant.
Genome position: GRCh38 VCF-style: chr15-84817132-C-T. GRCh37 (hg19) VCF-style: chr15-85360363-C-T.
Identifiers: ClinVar variation 1474405 (VCV001474405.8), dbSNP rs2141541757, ClinGen allele CA393368602.
Genomic context (GRCh38, chr15:84,817,132, plus strand): 5'-GGTCCCGGGAGCTCCACGAAGGGGCCTGTCCTCCATGACCAGGACACCCGCTGCGCCTTC[C>T]TCCCGAGGCCTCCCGGGCCTCTCCAGACGCGGCGCTACTGCAGACACCAGGGCCGCCAAG-3'